The following is an entry in ClinVar:

NM_000551.4(VHL):c.340+816A>G

Genes: VHL (von Hippel-Lindau tumor suppressor; plus strand), LOC107303340 (3p25 von Hippel-Lindau tumor suppressor, E3 ubiquitin protein ligase Alu-mediated recombination region; plus strand). Cytogenetic location: 3p25.3.
Variant type: single nucleotide variant.
Coding change: c.340+816A>G on transcript NM_000551.4 (MANE Select); 816 bases into the intron after coding-DNA position 340, A replaced by G.
Molecular consequence: intron variant. On other transcripts: stop lost (1).
Genome position (GRCh38, 1-based): chr3:10,143,003, A>G. VCF-style: chr3-10143003-A-G. GRCh37 (hg19) VCF-style: chr3-10184687-A-G.
Other names: c.581A>G, p.Ter194Trp (NM_001354723.2); c.340+816A>G (NM_198156.3).
Identifiers: ClinVar variation 1692520 (VCV001692520.2), dbSNP rs1031288121, ClinGen allele CA2573136148.

ClinVar aggregate classification (germline): Uncertain significance. Review status: criteria provided, multiple submitters, no conflicts (2 of 4 stars). 2 submissions from 2 submitters: Uncertain significance (2). Last evaluated 2025-02-05.

Conditions:
Chuvash polycythemia. Also called: POLYCYTHEMIA, VHL-DEPENDENT. Identifiers: Orphanet 238557, MedGen C1837915, MONDO:0009892, OMIM 263400.
Von Hippel-Lindau syndrome (VHLS). Also called: von Hippel–Lindau syndrome; Von Hippel-Lindau; VHL syndrome. Identifiers: Orphanet 892, MedGen C0019562, MONDO:0008667, OMIM 193300. Disease mechanism: loss of function.
Hereditary cancer-predisposing syndrome. Also called: Neoplastic Syndromes, Hereditary; Hereditary Cancer Syndrome; Tumor predisposition; Hereditary neoplastic syndrome. Identifiers: Orphanet 140162, MedGen C0027672, MeSH D009386, MONDO:0015356.

Submissions (2):

Labcorp Genetics (formerly Invitae), Labcorp
Classification: Uncertain significance for Von Hippel-Lindau syndrome; Chuvash polycythemia. Last evaluated: 2025-02-05. Review status: criteria provided, single submitter. Criteria: Invitae Variant Classification Sherloc (09022015). Collection method: clinical testing. Allele origin: germline.
Comment: This sequence change falls in intron 1 of the VHL gene. It is not expected to change the encoded amino acid sequence of the VHL protein. However, this sequence change falls within a cryptic exon in the VHL gene, known as exon E1’, which is naturally expressed at low levels in several human tissues (PMID: 29891534). This variant is not present in population databases (gnomAD no frequency). This variant has not been reported in the literature in individuals affected with VHL-related conditions. ClinVar contains an entry for this variant (Variation ID: 1692520). Experimental studies and prediction algorithms are not available or were not evaluated, and the functional significance of this variant is currently unknown. Algorithms developed to predict the effect of sequence changes on RNA splicing suggest that this variant is not likely to affect RNA splicing. In summary, the available evidence is currently insufficient to determine the role of this variant in disease. Therefore, it has been classified as a Variant of Uncertain Significance.

Sema4
Classification: Uncertain significance for Hereditary cancer-predisposing syndrome. Last evaluated: 2021-10-27. Review status: criteria provided, single submitter. Criteria: Sema4 Curation Guidelines. Collection method: curation. Allele origin: germline.
Comment: The VHL c.340+816A>G variant has not been reported in the literature to our knowledge. In an alternate transcript, the variant is also known as c.581C>A (p.*194Wext*24). It was not observed in the large and broad cohorts of the Genome Aggregation Database. The variant has not been reported in ClinVar. The evidence is insufficient to meet ACMG/AMP criteria for classifying the variant as benign or pathogenic. Thus, the clinical significance of this variant is currently uncertain.

Literature cited by the submitters: PubMed 29891534 (cited by Labcorp Genetics (formerly Invitae), Labcorp).